The following is an entry in ClinVar:

NM_001127208.3(TET2):c.1562G>A (p.Ser521Asn)

Genes: TET2 (tet methylcytosine dioxygenase 2; plus strand), TET2-AS1 (TET2 antisense RNA 1; minus strand). Cytogenetic location: 4q24.
Variant type: single nucleotide variant.
Coding change: c.1562G>A on transcript NM_001127208.3 (MANE Select); coding-DNA position 1562, G replaced by A.
Protein change: p.Ser521Asn; replaces serine 521 with asparagine.
Molecular consequence: missense variant.
Genome position (GRCh38, 1-based): chr4:105,235,504, G>A. VCF-style: chr4-105235504-G-A. GRCh37 (hg19) VCF-style: chr4-106156661-G-A.
Other names: c.1562G>A, p.Ser521Asn (NM_017628.4); short protein forms S521N.
Identifiers: ClinVar variation 3455380 (VCV003455380.1).

ClinVar aggregate classification (germline): Uncertain significance (1 of 4 stars; one submission).

gnomAD v4.1: 2 of 1,614,052 alleles (0.00012%); highest among the groups gnomAD compares: African/African-American, 0.0027%; no homozygotes.

Submission:

Ambry Genetics
Classification: Uncertain significance. Last evaluated: 2024-12-07. Review status: criteria provided, single submitter. Criteria: Ambry Variant Classification Scheme 2023. Collection method: clinical testing. Allele origin: germline.
Comment: The p.S521N variant (also known as c.1562G>A), located in coding exon 1 of the TET2 gene, results from a G to A substitution at nucleotide position 1562. The serine at codon 521 is replaced by asparagine, an amino acid with highly similar properties. This amino acid position is conserved. In addition, this alteration is predicted to be tolerated by in silico analysis. Based on the available evidence, the clinical significance of this variant remains unclear.